The following is an entry in ClinVar:

ClinVar aggregate classification (germline): Uncertain significance. Review status: criteria provided, multiple submitters, no conflicts (2 of 4 stars). 2 submissions from 2 submitters: Uncertain significance (2). Last evaluated 2024-02-07.

Conditions:
RECON progeroid syndrome (RECON). Identifiers: MedGen C5830504, MONDO:0957266, OMIM 620370.

Submissions (2):

Fulgent Genetics
Classification: Uncertain significance for RECON progeroid syndrome. Last evaluated: 2024-02-07. Review status: criteria provided, single submitter. Criteria: ACMG Guidelines, 2015. Collection method: clinical testing. Allele origin: germline.

Ambry Genetics
Classification: Uncertain significance. Last evaluated: 2022-11-08. Review status: criteria provided, single submitter. Criteria: Ambry Variant Classification Scheme 2023. Collection method: clinical testing. Allele origin: germline.
Comment: The c.1643_1644delAC variant, located in coding exon 12 of the RECQL gene, results from a deletion of two nucleotides at nucleotide positions 1643 to 1644, causing a translational frameshift with a predicted alternate stop codon (p.H548Lfs*8). This alteration is expected to result in loss of function by premature protein truncation or nonsense-mediated mRNA decay. The evidence for this gene-disease relationship is limited; therefore, the clinical significance of this alteration is unclear.

NM_002907.4(RECQL):c.1643_1644del (p.His548fs)

Gene: RECQL (RecQ like helicase; minus strand). Cytogenetic location: 12p12.1.
Variant type: Microsatellite.
Coding change: c.1643_1644del on transcript NM_002907.4 (MANE Select); coding-DNA positions 1643 to 1644, 2 bases deleted (AC; older notation c.1643_1644delAC).
Protein change: p.His548fs; shifts the reading frame from histidine 548.
Molecular consequence: frameshift variant.
Genome position (GRCh38, 1-based): chr12:21,471,451-21,471,452, GT deleted on the plus strand (AC on the coding strand, the reverse complement: RECQL is on the minus strand); deleting any 2 consecutive bases within chr12:21,471,451-21,471,455 gives the same sequence; the c. name uses the placement nearest the transcript's 3' end. VCF-style (leftmost placement, unchanged base first): chr12-21471450-AGT-A. GRCh37 (hg19) VCF-style: chr12-21624384-AGT-A.
Other names: c.1643_1644del, p.His548fs (NM_032941.3); short protein forms H548fs.
Identifiers: ClinVar variation 2450947 (VCV002450947.3), dbSNP rs1942960300, ClinGen allele CA2021144041.